The following is an entry in ClinVar:

NM_001365536.1(SCN9A):c.2832C>A (p.Cys944Ter)

Genes: SCN1A-AS1 (SCN1A and SCN9A antisense RNA 1; plus strand), SCN9A (sodium voltage-gated channel alpha subunit 9; minus strand). Cytogenetic location: 2q24.3.
Variant type: single nucleotide variant.
Coding change: c.2832C>A on transcript NM_001365536.1 (MANE Select); coding-DNA position 2832, C replaced by A.
Protein change: p.Cys944Ter; replaces cysteine 944 with a stop codon.
Molecular consequence: nonsense.
Genome position (GRCh38, 1-based): chr2:166,277,025, G>T on the plus strand (C>A on the coding strand, the complement: SCN9A is on the minus strand). VCF-style: chr2-166277025-G-T. GRCh37 (hg19) VCF-style: chr2-167133535-G-T.
Other names: c.2799C>A, p.Cys933Ter (NM_002977.4); short protein forms C933*, C944*.
Identifiers: ClinVar variation 3759534 (VCV003759534.2).
Genomic context (GRCh38, chr2:166,277,025, plus strand): 5'-GAACATCTGGTTACATACCACCAGGTTTCCAATGACCATGACCATCATGTAAACAATAAG[G>T]CACATAGCTTGACCAGCGACCTCCATACAGTCCCACATGGTCTCTATCCACTCTCCACAC-3'

ClinVar aggregate classification (germline): Pathogenic (1 of 4 stars; one submission).

Conditions:
Neuropathy, hereditary sensory and autonomic, type 2A (HSAN2A). Also called: ACROOSTEOLYSIS, GIACCAI TYPE; ACROOSTEOLYSIS, NEUROGENIC; WNK1-Related HSAN2 (HSAN2A); MORVAN DISEASE; NEUROPATHY, CONGENITAL SENSORY; NEUROPATHY, HEREDITARY SENSORY RADICULAR, AUTOSOMAL RECESSIVE. Identifiers: Orphanet 970, MedGen C2752089, MONDO:0024309, OMIM 201300.
Generalized epilepsy with febrile seizures plus, type 7 (GEFSP7). Also called: GEFS+, TYPE 7. Identifiers: Orphanet 36387, MedGen C2751778, MONDO:0013470, OMIM 613863.

Submission:

Labcorp Genetics (formerly Invitae), Labcorp
Classification: Pathogenic for Neuropathy, hereditary sensory and autonomic, type 2A; Generalized epilepsy with febrile seizures plus, type 7. Last evaluated: 2024-10-21. Review status: criteria provided, single submitter. Criteria: Invitae Variant Classification Sherloc (09022015). Collection method: clinical testing. Allele origin: germline.
Comment: This sequence change creates a premature translational stop signal (p.Cys933*) in the SCN9A gene. It is expected to result in an absent or disrupted protein product. Loss-of-function variants in SCN9A are known to be pathogenic (PMID: 17470132, 19304393). This variant is not present in population databases (gnomAD no frequency). This variant has not been reported in the literature in individuals affected with SCN9A-related conditions. For these reasons, this variant has been classified as Pathogenic.

Literature cited by the submitters: PubMed 17470132; PubMed 19304393.